The following is an entry in ClinVar:

NM_024757.5(EHMT1):c.3795C>G (p.His1265Gln)

Gene: EHMT1 (euchromatic histone lysine methyltransferase 1; plus strand). Cytogenetic location: 9q34.3.
Variant type: single nucleotide variant.
Coding change: c.3795C>G on transcript NM_024757.5 (MANE Select); coding-DNA position 3795, C replaced by G.
Protein change: p.His1265Gln; replaces histidine 1265 with glutamine.
Molecular consequence: missense variant.
Genome position (GRCh38, 1-based): chr9:137,834,851, C>G. VCF-style: chr9-137834851-C-G. GRCh37 (hg19) VCF-style: chr9-140729303-C-G.
Other names: c.3774C>G, p.His1258Gln (NM_001354263.2); short protein forms H1258Q, H1265Q.
Identifiers: ClinVar variation 3236908 (VCV003236908.1).
Genomic context (GRCh38, chr9:137,834,851, plus strand): 5'-CTTCTGGGACATCAAAGGCAAGCTCTTCAGCTGCCGCTGCGGCTCCCCCAAGTGCCGGCA[C>G]TCGAGCGCGGCCCTGGCCCAGCGTCAGGCCAGCGCGGCCCAGGAGGCCCAGGAGGACGGC-3'
Protein context (NP_079033.4, residues 1255-1275): SCRCGSPKCR[His1265Gln]SSAALAQRQA

ClinVar aggregate classification (germline): Uncertain significance (1 of 4 stars; one submission).

Conditions:
Kleefstra syndrome 1 (KLEFS1). Identifiers: Orphanet 261494, MedGen C0795833, MONDO:0027407, OMIM 610253.

Submission:

Laboratory of Genetics, Children's Clinical University Hospital Latvia
Classification: Uncertain significance for Kleefstra syndrome 1. Review status: criteria provided, single submitter. Criteria: ACMG Guidelines, 2015. Collection method: curation. Allele origin: de novo. Affected: yes.
Comment: de novo

Literature cited by the submitters: PubMed 39013458.